The following is an entry in ClinVar:

ClinVar aggregate classification (germline): Uncertain significance (1 of 4 stars; one submission).

gnomAD v4.1: 2 of 1,151,254 alleles (0.00017%); highest among the groups gnomAD compares: Non-Finnish European, 0.00023%; no homozygotes.

Submission:

Women's Health and Genetics/Laboratory Corporation of America, LabCorp
Classification: Uncertain significance. Last evaluated: 2025-07-29. Review status: criteria provided, single submitter. Criteria: LabCorp Variant Classification Summary - May 2015. Collection method: clinical testing. Allele origin: germline.
Comment: Variant summary: GLRA2 c.202+5G>A alters a non-conserved nucleotide located close to a canonical splice site and therefore could affect mRNA splicing, leading to a significantly altered protein sequence. Several computational tools predict a significant impact on normal splicing: Three predict the variant weakens a canonical 5' donor site. However, these predictions have yet to be confirmed by functional studies. The frequency data for this variant in gnomAD is considered unreliable, as metrics indicate poor data quality at this position. To our knowledge, no occurrence of c.202+5G>A in individuals affected with Intellectual Developmental Disorder, X-Linked, Syndromic, Pilorge Type and no experimental evidence demonstrating its impact on protein function have been reported. No submitters have cited clinical-significance assessments for this variant to ClinVar. Based on the evidence outlined above, the variant was classified as uncertain significance.

NM_002063.4(GLRA2):c.202+5G>A

Gene: GLRA2 (glycine receptor alpha 2; plus strand). Cytogenetic location: Xp22.2.
Variant type: single nucleotide variant.
Coding change: c.202+5G>A on transcript NM_002063.4 (MANE Select); 5 bases into the intron after coding-DNA position 202, G replaced by A.
Molecular consequence: intron variant.
Genome position (GRCh38, 1-based): chrX:14,532,377, G>A. VCF-style: chrX-14532377-G-A. GRCh37 (hg19) VCF-style: chrX-14550499-G-A.
Other names: c.-26+5G>A (NM_001171942.2); c.202+5G>A (NM_001118885.2, NM_001118886.2).
Identifiers: ClinVar variation 4526080 (VCV004526080.1).